The following is an entry in ClinVar:

NM_001035.3(RYR2):c.4274C>T (p.Thr1425Met)

Gene: RYR2 (ryanodine receptor 2; plus strand). Cytogenetic location: 1q43.
Variant type: single nucleotide variant.
Coding change: c.4274C>T on transcript NM_001035.3 (MANE Select); coding-DNA position 4274, C replaced by T.
Protein change: p.Thr1425Met; replaces threonine 1425 with methionine.
Molecular consequence: missense variant.
Genome position (GRCh38, 1-based): chr1:237,591,852, C>T. VCF-style: chr1-237591852-C-T. GRCh37 (hg19) VCF-style: chr1-237755152-C-T.
Other names: short protein forms T1425M.
Identifiers: ClinVar variation 505337 (VCV000505337.23), dbSNP rs761181641, ClinGen allele CA086573.

ClinVar aggregate classification (germline): Uncertain significance. Review status: criteria provided, multiple submitters, no conflicts (2 of 4 stars). 8 submissions from 8 submitters: Uncertain significance (8). Last evaluated 2025-07-10.

Conditions:
Catecholaminergic polymorphic ventricular tachycardia 1. Also called: VENTRICULAR TACHYCARDIA, CATECHOLAMINERGIC POLYMORPHIC, 1, WITH OR WITHOUT ATRIAL DYSFUNCTION AND/OR DILATED CARDIOMYOPATHY; RYR2-Related Catecholaminergic Polymorphic Ventricular Tachycardia; VENTRICULAR TACHYCARDIA, STRESS-INDUCED POLYMORPHIC 1. Identifiers: Orphanet 3286, MedGen C1631597, MONDO:0011484, OMIM 604772.
Arrhythmogenic right ventricular dysplasia 2. Identifiers: MedGen C1832931.
Ventricular arrhythmias due to cardiac ryanodine receptor calcium release deficiency syndrome. Also called: Autosomal dominant cardiac arrhythmia (Kuhn). Identifiers: MedGen C5542154, MONDO:0020745, OMIM 115000.
Cardiomyopathy (CMYO). Also called: Cardiomyopathies. Identifiers: Orphanet 167848, MedGen C0878544, MONDO:0004994, HP:0001638. Inheritance: Various modes of inheritance.
Cardiovascular phenotype. Identifiers: MedGen CN230736.
Catecholaminergic polymorphic ventricular tachycardia (CVPT). Also called: Catecholamine-induced polymorphic ventricular tachycardia. Identifiers: Orphanet 3286, MedGen C5574922, MONDO:0017990.

Allele frequency attached by ClinVar (database versions not stated): ExAC 0.00001; gnomAD 0.00001; TOPMed 0.00001; gnomAD exomes 0.00005.
gnomAD v4.1: 66 of 1,610,002 alleles (0.0041%); highest among the groups gnomAD compares: Admixed American, 0.018%; no homozygotes.

Submissions (8):

Color Diagnostics, LLC DBA Color Health
Classification: Uncertain significance for Cardiomyopathy. Last evaluated: 2025-07-10. Review status: criteria provided, single submitter. Criteria: ACMG Guidelines, 2015. Collection method: clinical testing. Allele origin: germline.
Comment: This missense variant replaces threonine with methionine at codon 1425 of the RYR2 protein. Computational prediction suggests that this variant may not impact protein structure and function. To our knowledge, functional studies have not been reported for this variant. This variant has not been reported in individuals affected with RYR2-related disorders in the literature. This variant has been identified in 12/243608 chromosomes in the general population by the Genome Aggregation Database (gnomAD). The available evidence is insufficient to determine the role of this variant in disease conclusively. Therefore, this variant is classified as a Variant of Uncertain Significance.

Ambry Genetics
Classification: Uncertain significance for Cardiovascular phenotype. Last evaluated: 2025-06-11. Review status: criteria provided, single submitter. Criteria: Ambry Variant Classification Scheme 2023. Collection method: clinical testing. Allele origin: germline.
Comment: The p.T1425M variant (also known as c.4274C>T), located in coding exon 32 of the RYR2 gene, results from a C to T substitution at nucleotide position 4274. The threonine at codon 1425 is replaced by methionine, an amino acid with similar properties. This amino acid position is highly conserved in available vertebrate species. In addition, this alteration is predicted to be tolerated by in silico analysis. Based on the available evidence, the clinical significance of this variant remains unclear.

Molecular Diagnostic Laboratory for Inherited Cardiovascular Disease, Montreal Heart Institute
Classification: Uncertain significance for Cardiovascular phenotype. Last evaluated: 2025-04-09. Review status: criteria provided, single submitter. Criteria: ACMG Guidelines, 2015. Collection method: clinical testing. Allele origin: germline. Affected: yes.

Women's Health and Genetics/Laboratory Corporation of America, LabCorp
Classification: Uncertain significance. Last evaluated: 2024-02-15. Review status: criteria provided, single submitter. Criteria: LabCorp Variant Classification Summary - May 2015. Collection method: clinical testing. Allele origin: germline.
Comment: Variant summary: RYR2 c.4274C>T (p.Thr1425Met) results in a non-conservative amino acid change located in the B30.2/SPRY domain (IPR001870) of the encoded protein sequence. Three of five in-silico tools predict a damaging effect of the variant on protein function. Several computational tools predict a significant impact on normal splicing: Three predict the variant weakens a 5' donor site whereas one predicts the variant has no significant impact on splicing. However, these predictions have yet to be confirmed by functional studies. The variant allele was found at a frequency of 4.9e-05 in 243608 control chromosomes (gnomAD). The observed variant frequency is approximately 2-fold of the estimated maximal expected allele frequency for a pathogenic variant in RYR2 causing Cardiomyopathy phenotype. However since Cardiomyopathy is not necessarily early onset with high penetrance and often can go undiagnosed, this frequency does not allow for any strong conclusion to be made about variant significance. To our knowledge, no occurrence of c.4274C>T in individuals affected with Cardiomyopathy and no experimental evidence demonstrating its impact on protein function have been reported. ClinVar contains an entry for this variant (Variation ID: 505337). Based on the evidence outlined above, the variant was classified as uncertain significance.

Labcorp Genetics (formerly Invitae), Labcorp
Classification: Uncertain significance for Catecholaminergic polymorphic ventricular tachycardia 1. Last evaluated: 2024-01-13. Review status: criteria provided, single submitter. Criteria: Invitae Variant Classification Sherloc (09022015). Collection method: clinical testing. Allele origin: germline.
Comment: This sequence change replaces threonine, which is neutral and polar, with methionine, which is neutral and non-polar, at codon 1425 of the RYR2 protein (p.Thr1425Met). This variant is present in population databases (rs761181641, gnomAD 0.02%). This variant has not been reported in the literature in individuals affected with RYR2-related conditions. ClinVar contains an entry for this variant (Variation ID: 505337). An algorithm developed to predict the effect of missense changes on protein structure and function (PolyPhen-2) suggests that this variant is likely to be disruptive. In summary, the available evidence is currently insufficient to determine the role of this variant in disease. Therefore, it has been classified as a Variant of Uncertain Significance.

All of Us Research Program, National Institutes of Health
Classification: Uncertain significance for Catecholaminergic polymorphic ventricular tachycardia. Last evaluated: 2024-01-11. Review status: criteria provided, single submitter. Criteria: ACMG Guidelines, 2015. Collection method: clinical testing. Allele origin: germline. Inheritance: Autosomal dominant inheritance. Observed: 4 variant alleles, 4 heterozygotes.
Comment: This missense variant replaces threonine with methionine at codon 1425 of the RYR2 protein. Computational prediction suggests that this variant may not impact protein structure and function (internally defined REVEL score threshold <= 0.5, PMID: 27666373). To our knowledge, functional studies have not been reported for this variant. This variant has not been reported in individuals affected with cardiovascular disorders in the literature. This variant has been identified in 12/243608 chromosomes in the general population by the Genome Aggregation Database (gnomAD). The available evidence is insufficient to determine the role of this variant in disease conclusively. Therefore, this variant is classified as a Variant of Uncertain Significance.

This study involves interpretation of variants in research participants for the purpose of population health screening. Participant phenotype was not available at the time of variant classification. Additional details can be found in publication PMID: 35346344, PMCID: PMC8962531

Fulgent Genetics
Classification: Uncertain significance for Ventricular arrhythmias due to cardiac ryanodine receptor calcium release deficiency syndrome; Catecholaminergic polymorphic ventricular tachycardia 1. Last evaluated: 2021-07-19. Review status: criteria provided, single submitter. Criteria: ACMG Guidelines, 2015. Collection method: clinical testing. Allele origin: unknown.

Laboratory for Molecular Medicine, Mass General Brigham Personalized Medicine
Classification: Uncertain significance. Last evaluated: 2016-10-07. Review status: criteria provided, single submitter. Criteria: LMM Criteria. Collection method: clinical testing. Allele origin: germline. Observed: 1 variant allele.
Comment: Variant classified as Uncertain Significance - Favor Pathogenic. The p.Thr1425Me t variant in RYR2 has not been previously reported in individuals with DCM, but has been identified in 1/6884 East Asian chromosomes by the Exome Aggregation Co nsortium (ExAC; dbSNP rs761181641). Computationa l prediction tools and conservation analysis suggest that the p.Thr1425Met varia nt may impact the protein, though this information is not predictive enough to d etermine pathogenicity. In summary, the clinical significance of the p.Thr1425Me t variant is uncertain.